The following is an entry in ClinVar:

ClinVar aggregate classification (germline): Uncertain significance (1 of 4 stars; one submission).

Conditions:
Multiple congenital anomalies-hypotonia-seizures syndrome 1 (MCAHS1). Also called: GLYCOSYLPHOSPHATIDYLINOSITOL BIOSYNTHESIS DEFECT 3; PIGN-CDG; Congenital disorder of glycosylation due to PIGN deficiency. Identifiers: Orphanet 280633, MedGen C3279775, MONDO:0013563, OMIM 614080.

Allele frequency attached by ClinVar (database versions not stated): gnomAD exomes below 0.00001; gnomAD 0.00001; TOPMed 0.00001.
gnomAD v4.1: 3 of 1,550,912 alleles (0.00019%); highest among the groups gnomAD compares: African/African-American, 0.0027%; no homozygotes.

Submission:

Labcorp Genetics (formerly Invitae), Labcorp
Classification: Uncertain significance for Multiple congenital anomalies-hypotonia-seizures syndrome 1. Last evaluated: 2021-09-18. Review status: criteria provided, single submitter. Criteria: Invitae Variant Classification Sherloc (09022015). Collection method: clinical testing. Allele origin: germline.
Comment: This sequence change replaces tyrosine with cysteine at codon 769 of the PIGN protein (p.Tyr769Cys). The tyrosine residue is weakly conserved and there is a large physicochemical difference between tyrosine and cysteine. This variant is not present in population databases (ExAC no frequency). This variant has not been reported in the literature in individuals affected with PIGN-related conditions. Algorithms developed to predict the effect of missense changes on protein structure and function output the following: SIFT: "Not Available"; PolyPhen-2: "Benign"; Align-GVGD: "Not Available". The cysteine amino acid residue is found in multiple mammalian species, which suggests that this missense change does not adversely affect protein function. In summary, the available evidence is currently insufficient to determine the role of this variant in disease. Therefore, it has been classified as a Variant of Uncertain Significance.

NM_176787.5(PIGN):c.2306A>G (p.Tyr769Cys)

Gene: PIGN (phosphatidylinositol glycan anchor biosynthesis class N; minus strand). Cytogenetic location: 18q21.33.
Variant type: single nucleotide variant.
Coding change: c.2306A>G on transcript NM_176787.5 (MANE Select); coding-DNA position 2306, A replaced by G.
Protein change: p.Tyr769Cys; replaces tyrosine 769 with cysteine.
Molecular consequence: missense variant.
Genome position (GRCh38, 1-based): chr18:62,088,820, T>C on the plus strand (A>G on the coding strand, the complement: PIGN is on the minus strand). VCF-style: chr18-62088820-T-C. GRCh37 (hg19) VCF-style: chr18-59756053-T-C.
Other names: c.2306A>G, p.Tyr769Cys (NM_012327.6); short protein forms Y769C.
Identifiers: ClinVar variation 1472285 (VCV001472285.3), dbSNP rs1284589322, ClinGen allele CA402602078.
Genomic context (GRCh38, chr18:62,088,820, plus strand): 5'-AAAAAGGCCCTACGGATGTCATCCAGATATAGCTGTCGAAACTGAGTTATATCAGTATTA[T>C]AAGAGAACTGGATACTGGTGAGCTGTGAGATAATAAGAAAAATATTAATGCACAATAACA-3'
Protein context (NP_789744.1, residues 759-779): KQKLTSIQFS[Tyr769Cys]NTDITQFRQL